The following is an entry in ClinVar:

ClinVar aggregate classification (germline): Pathogenic (1 of 4 stars; one submission).

Conditions:
Spastic paraplegia. Identifiers: MedGen C0037772, HP:0001258.

Submission:

Labcorp Genetics (formerly Invitae), Labcorp
Classification: Pathogenic for Spastic paraplegia. Last evaluated: 2018-12-21. Review status: criteria provided, single submitter. Criteria: Invitae Variant Classification Sherloc (09022015). Collection method: clinical testing. Allele origin: germline.
Comment: For these reasons, this variant has been classified as Pathogenic. Loss-of-function variants in ZFYVE26 are known to be pathogenic (PMID: 18394578, 19805727). This variant has not been reported in the literature in individuals with ZFYVE26-related conditions. This variant is not present in population databases (ExAC no frequency). This sequence change creates a premature translational stop signal (p.Leu1327*) in the ZFYVE26 gene. It is expected to result in an absent or disrupted protein product.

Literature cited by the submitters: PubMed 18394578; PubMed 19805727.

NM_015346.4(ZFYVE26):c.3980T>G (p.Leu1327Ter)

Gene: ZFYVE26 (zinc finger FYVE-type containing 26; minus strand). Cytogenetic location: 14q24.1.
Variant type: single nucleotide variant.
Coding change: c.3980T>G on transcript NM_015346.4 (MANE Select); coding-DNA position 3980, T replaced by G.
Protein change: p.Leu1327Ter; replaces leucine 1327 with a stop codon.
Molecular consequence: nonsense.
Genome position (GRCh38, 1-based): chr14:67,783,172, A>C on the plus strand (T>G on the coding strand, the complement: ZFYVE26 is on the minus strand). VCF-style: chr14-67783172-A-C. GRCh37 (hg19) VCF-style: chr14-68249889-A-C.
Other names: short protein forms L1327*.
Identifiers: ClinVar variation 641210 (VCV000641210.6), dbSNP rs1594913346, ClinGen allele CA390171095.